The following is an entry in ClinVar:

NM_000392.5(ABCC2):c.3256G>A (p.Gly1086Ser)

Gene: ABCC2 (ATP binding cassette subfamily C member 2; plus strand). Cytogenetic location: 10q24.2.
Variant type: single nucleotide variant.
Coding change: c.3256G>A on transcript NM_000392.5 (MANE Select); coding-DNA position 3256, G replaced by A.
Protein change: p.Gly1086Ser; replaces glycine 1086 with serine.
Molecular consequence: missense variant.
Genome position (GRCh38, 1-based): chr10:99,832,129, G>A. VCF-style: chr10-99832129-G-A. GRCh37 (hg19) VCF-style: chr10-101591886-G-A.
Other names: c.3256G>A (NM_000392.4); c.3256G>A, p.Gly1086Ser (LRG_1208t1); short protein forms G1086S.
Identifiers: ClinVar variation 298463 (VCV000298463.7), dbSNP rs769152380, ClinGen allele CA5643729.
Genomic context (GRCh38, chr10:99,832,129, plus strand): 5'-CGAGCACCTATGAGATTTTTTGACACAACACCCACAGGCCGGATTGTGAACAGGTTTGCC[G>A]GCGTAAGTATCTCAAGAACTGTCAGGTGGTGTGTTTATATACTGAGGATCTTTCTGATAG-3'
Protein context (NP_000383.2, residues 1076-1096): PTGRIVNRFA[Gly1086Ser]DISTVDDTLP

ClinVar aggregate classification (germline): Uncertain significance. Review status: criteria provided, multiple submitters, no conflicts (2 of 4 stars). 3 submissions from 3 submitters: Uncertain significance (3). Last evaluated 2025-08-13.

Conditions:
Dubin-Johnson syndrome (DJS). Also called: HYPERBILIRUBINEMIA, DUBIN-JOHNSON TYPE; Jaundice, Chronic Idiopathic; Hyperbilirubinemia type 2. Identifiers: Orphanet 234, MedGen C0022350, MONDO:0009380, OMIM 237500.
Inborn genetic diseases. Identifiers: MedGen C0950123, MeSH D030342.
ABCC2-related disorder. Also called: ABCC2-related condition.

Allele frequency attached by ClinVar (database versions not stated): gnomAD 0.00002; ExAC 0.00005; TOPMed 0.00005; gnomAD exomes 0.00006.
gnomAD v4.1: 90 of 1,613,990 alleles (0.0056%); highest among the groups gnomAD compares: East Asian, 0.027%; 1 homozygote.

Submissions (3):

PreventionGenetics, part of Exact Sciences
Classification: Uncertain significance for ABCC2-related condition. Last evaluated: 2025-08-13. Review status: criteria provided, single submitter. Criteria: ACMG Guidelines, 2015. Collection method: clinical testing. Allele origin: germline.
Comment: The ABCC2 c.3256G>A variant is predicted to result in the amino acid substitution p.Gly1086Ser. To our knowledge, this variant has not been reported in the literature. This variant is reported in 0.033% of alleles in individuals of South Asian descent in gnomAD. At this time, the clinical significance of this variant is uncertain due to the absence of conclusive functional and genetic evidence.

Ambry Genetics
Classification: Uncertain significance for Inborn genetic diseases. Last evaluated: 2025-04-09. Review status: criteria provided, single submitter. Criteria: Ambry Variant Classification Scheme 2023. Collection method: clinical testing. Allele origin: germline.

Illumina Laboratory Services, Illumina
Classification: Uncertain significance for Dubin-Johnson syndrome. Last evaluated: 2018-01-12. Review status: criteria provided, single submitter. Criteria: ICSL Variant Classification Criteria 13 December 2019. Collection method: clinical testing. Allele origin: germline.